The following is an entry in ClinVar:

ClinVar aggregate classification (germline): Likely pathogenic (1 of 4 stars; one submission).

Conditions:
Long QT syndrome 2 (LQT2). Identifiers: Orphanet 101016, Orphanet 768, MedGen C3150943, MONDO:0013367, OMIM 613688.

Submission:

New York Genome Center
Classification: Likely pathogenic for Long QT syndrome 2. Last evaluated: 2019-06-13. Review status: criteria provided, single submitter. Criteria: NYGC Assertion Criteria 2020. Collection method: clinical testing. Allele origin: inherited. Affected: yes. Observed: 1 heterozygote. Study: CSER-NYCKidSeq. Segregation with disease observed.
Comment: The variant c.2692+167_3153-109del154 encompasses exons 12 and 13 of the KCNH2 gene and is predicted to result in an in-frame deletion of 154 amino acids (p.Asp898_Arg1051del) [PMID: 18000842]. This variant is not present in gnomAD database and has not been reported in the literature in individuals with a KCNH2-related disease. Experimental studies have shown that several missense changes (p.Ser906Leu, p.Arg920Gln, p.Arg920Trp, p.Arg954Cys, and p.Leu955Val) in this region of the KCNH2 gene have a deleterious effect on protein trafficking [PMID: 18675227]. This variant identified in the KCNH2 gene deletes part of the cytoplasmic C-terminal region of the resulting protein [PMID: 25348405, PMID: 19841300]. Missense substitutions at residues deleted by this variant (such as p.Arg954Cys) and multiple other downstream frameshifts and nonsense variants in the KCNH2 gene have been determined to be pathogenic in association with Long QT syndrome 2 [MIM#613688]and Sudden infant death syndrome [PMID: 18675227, PMID: 12754702]. This suggests that there are residues in this region that are critical for KCNH2 protein function and the loss of these residues may also be pathogenic. In summary, this variant is a novel in-frame deletion that affects residues that are important for normal protein function. Based on the available evidence, the variant c.2692+167_3153-109del154 in the KCNH2 gene is classified as likely pathogenic.

NM_000238.4(KCNH2):c.2692+167_3153-109del

Gene: KCNH2 (potassium voltage-gated channel subfamily H member 2; minus strand). Cytogenetic location: 7q36.1.
Variant type: Deletion.
Coding change: c.2692+167_3153-109del on transcript NM_000238.4 (MANE Select); 167 bases into the intron after coding-DNA position 2692 through 109 bases into the intron before coding-DNA position 3153, 1,115 bases deleted.
Molecular consequence: splice acceptor variant, splice donor variant.
Genome position (GRCh38, 1-based): chr7:150,947,163-150,948,277, 1,115 bases deleted. GRCh37 (hg19): chr7:150,644,251-150,645,365.
Other names: c.1672+167_2133-109del (NM_172057.3).
Identifiers: ClinVar variation 992792 (VCV000992792.2), ClinGen allele CA1139660328.